The following is an entry in ClinVar:

NM_003235.5(TG):c.7663C>T (p.Arg2555Cys)

Gene: TG (thyroglobulin; plus strand). Cytogenetic location: 8q24.22.
Variant type: single nucleotide variant.
Coding change: c.7663C>T on transcript NM_003235.5 (MANE Select); coding-DNA position 7663, C replaced by T.
Protein change: p.Arg2555Cys; replaces arginine 2555 with cysteine.
Molecular consequence: missense variant.
Genome position (GRCh38, 1-based): chr8:133,113,512, C>T. VCF-style: chr8-133113512-C-T. GRCh37 (hg19) VCF-style: chr8-134125756-C-T.
Other names: short protein forms R2555C.
Identifiers: ClinVar variation 1031320 (VCV001031320.2), dbSNP rs370013278, ClinGen allele CA4885734.

ClinVar aggregate classification (germline): Uncertain significance. Review status: criteria provided, multiple submitters, no conflicts (2 of 4 stars). 2 submissions from 2 submitters: Uncertain significance (2). Last evaluated 2025-09-22.

Conditions:
Inborn genetic diseases. Identifiers: MedGen C0950123, MeSH D030342.
Iodotyrosyl coupling defect (TDH3). Also called: THYROID HORMONOGENESIS, GENETIC DEFECT IN, 3; HYPOTHYROIDISM, CONGENITAL, DUE TO DYSHORMONOGENESIS, 3. Identifiers: Orphanet 95716, MedGen C0342194, MONDO:0010135, OMIM 274700.

Allele frequency attached by ClinVar (database versions not stated): ExAC 0.00001; TOPMed 0.00002.
gnomAD v4.1: 15 of 1,613,880 alleles (0.00093%); highest among the groups gnomAD compares: South Asian, 0.0066%; no homozygotes.

Submissions (2):

Ambry Genetics
Classification: Uncertain significance for Inborn genetic diseases. Last evaluated: 2025-09-22. Review status: criteria provided, single submitter. Criteria: Ambry Variant Classification Scheme 2023. Collection method: clinical testing. Allele origin: germline.

Baylor Genetics
Classification: Uncertain significance for Iodotyrosyl coupling defect. Last evaluated: 2018-02-14. Review status: criteria provided, single submitter. Criteria: ACMG Guidelines, 2015. Collection method: clinical testing. Allele origin: unknown. Affected: yes.
Comment: This variant was determined to be of uncertain significance according to ACMG Guidelines, 2015 [PMID:25741868].